The following is an entry in ClinVar:

NM_001281740.3(FHOD3):c.1453C>A (p.Pro485Thr)

Gene: FHOD3 (formin homology 2 domain containing 3; plus strand). Cytogenetic location: 18q12.2.
Variant type: single nucleotide variant.
Coding change: c.1453C>A on transcript NM_001281740.3 (MANE Select); coding-DNA position 1453, C replaced by A.
Protein change: p.Pro485Thr; replaces proline 485 with threonine.
Molecular consequence: missense variant. On other transcripts: intron variant (2).
Genome position (GRCh38, 1-based): chr18:36,652,736, C>A. VCF-style: chr18-36652736-C-A. GRCh37 (hg19) VCF-style: chr18-34232699-C-A.
Other names: c.1197-5339C>A (NM_025135.5, NM_001281739.3); short protein forms P485T.
Identifiers: ClinVar variation 3384709 (VCV003384709.1).

ClinVar aggregate classification (germline): Uncertain significance (1 of 4 stars; one submission).

Submission:

Women's Health and Genetics/Laboratory Corporation of America, LabCorp
Classification: Uncertain significance. Last evaluated: 2024-10-14. Review status: criteria provided, single submitter. Criteria: LabCorp Variant Classification Summary - May 2015. Collection method: clinical testing. Allele origin: germline.
Comment: Variant summary: FHOD3 c.1453C>A (p.Pro485Thr) results in a non-conservative amino acid change in the encoded protein sequence. Two of three in-silico tools predict a damaging effect of the variant on protein function. The variant was absent in 134314 control chromosomes. The available data on variant occurrences in the general population are insufficient to allow any conclusion about variant significance. To our knowledge, no occurrence of c.1453C>A in individuals affected with Cardiomyopathy, Familial Hypertrophic, 28 and no experimental evidence demonstrating its impact on protein function have been reported. No submitters have cited clinical-significance assessments for this variant to ClinVar. Based on the evidence outlined above, the variant was classified as uncertain significance.